The following is an entry in ClinVar:

NM_004380.3(CREBBP):c.5967G>A (p.Gly1989=)

Gene: CREBBP (CREB binding protein; minus strand). Cytogenetic location: 16p13.3.
Variant type: single nucleotide variant.
Coding change: c.5967G>A on transcript NM_004380.3 (MANE Select); coding-DNA position 5967, G replaced by A.
Protein change: p.Gly1989=; no amino-acid change (glycine 1989 retained).
Molecular consequence: synonymous variant.
Genome position (GRCh38, 1-based): chr16:3,729,080, C>T on the plus strand (G>A on the coding strand, the complement: CREBBP is on the minus strand). VCF-style: chr16-3729080-C-T. GRCh37 (hg19) VCF-style: chr16-3779081-C-T.
Other names: c.5853G>A, p.Gly1951= (NM_001079846.1).
Identifiers: ClinVar variation 3768931 (VCV003768931.1).
Genomic context (GRCh38, chr16:3,729,080, plus strand): 5'-GCTCACCTGGTTGGGTCGGGGCACATTCAGGCTCACGGGGGCCATCTGGCTCCCCGGGGT[C>T]CCCATGCCCGTGCGTCCTGGGGGCATGCTGTTGTTGATGTTCACCCGGTACAGGTGCTGC-3'
Protein context (NP_004371.2, residues 1979-1999): NSMPPGRTGM[Gly1989=]TPGSQMAPVS

ClinVar aggregate classification (germline): Likely benign (1 of 4 stars; one submission).

gnomAD v4.1: 10 of 1,584,762 alleles (0.00063%); highest among the groups gnomAD compares: African/African-American, 0.0094%; no homozygotes.

Submission:

Women's Health and Genetics/Laboratory Corporation of America, LabCorp
Classification: Likely benign. Last evaluated: 2025-02-19. Review status: criteria provided, single submitter. Criteria: LabCorp Variant Classification Summary - May 2015. Collection method: clinical testing. Allele origin: germline.
Comment: Variant summary: CREBBP c.5967G>A alters a conserved nucleotide resulting in a synonymous change. Consensus agreement among computation tools predict no significant impact on normal splicing. However, these predictions have yet to be confirmed by functional studies. The variant allele was found at a frequency of 6.3e-06 in 1584762 control chromosomes. This frequency is not significantly higher than estimated for a pathogenic variant in CREBBP causing Rubinstein-Taybi Syndrome, allowing no conclusion about variant significance. To our knowledge, no occurrence of c.5967G>A in individuals affected with Rubinstein-Taybi Syndrome and no experimental evidence demonstrating its impact on protein function have been reported. No submitters have cited clinical-significance assessments for this variant to ClinVar. Based on the evidence outlined above, the variant was classified as likely benign.